The following is an entry in ClinVar:

ClinVar aggregate classification (germline): Likely benign (1 of 4 stars; one submission).

Submission:

CeGaT Center for Human Genetics Tuebingen
Classification: Likely benign. Last evaluated: 2023-01-01. Review status: criteria provided, single submitter. Criteria: CeGaT Center For Human Genetics Tuebingen Variant Classification Criteria Version 2. Collection method: clinical testing. Allele origin: germline. Affected: yes. Observed: 1 variant allele.
Comment: OR52D1: BS2

NM_001005163.2(OR52D1):c.776TCT[1] (p.Phe260del)

Genes: OR51B5 (olfactory receptor family 51 subfamily B member 5; minus strand), OR52D1 (olfactory receptor family 52 subfamily D member 1; plus strand). Cytogenetic location: 11p15.4.
Variant type: Microsatellite.
Coding change: c.776TCT[1] on transcript NM_001005163.2 (MANE Select); one copy of the 3-base unit TCT starting at c.776; the reference has two copies in a row; one copy, 3 bases deleted.
Protein change: p.Phe260del; deletes phenylalanine 260.
Molecular consequence: inframe deletion. On other transcripts: intron variant (1).
Genome position (GRCh38, 1-based): chr11:5,489,485-5,489,487, TCT deleted; deleting any 3 consecutive bases within chr11:5,489,480-5,489,487 gives the same sequence; the position shown is the placement nearest the transcript's 3' end. VCF-style (leftmost placement, unchanged base first): chr11-5489479-CCTT-C. GRCh37 (hg19) VCF-style: chr11-5510709-CCTT-C.
Other names: c.-360+16087_-360+16089del (NM_001005567.3); short protein forms F260del.
Identifiers: ClinVar variation 2641540 (VCV002641540.22), dbSNP rs561821761, ClinGen allele CA5842903.
Genomic context (GRCh38, chr11:5,489,479, plus strand): 5'-ACAAAGCTCTGAGTACCTGTGGCTCCCACATTGGCATCATCCTGGTTTTCTACATCCCTG[CCTT>C]CTTCTCCTTCCTCACCCACCGCTTTGGTCACCACGAAGTCCCCAAGCATGTGCACATCTT-3'